The following is an entry in ClinVar:

ClinVar aggregate classification (germline): Uncertain significance (1 of 4 stars; one submission).

Conditions:
Cone-rod dystrophy 13 (CORD13). Identifiers: Orphanet 1872, MedGen C2750720, MONDO:0011987, OMIM 608194.
Leber congenital amaurosis 6 (LCA6). Identifiers: Orphanet 65, MedGen C1854260, MONDO:0013446, OMIM 613826.

Allele frequency attached by ClinVar (database versions not stated): TOPMed below 0.00001; ExAC 0.00001.
gnomAD v4.1: 1 of 1,607,814 alleles (0.000062%); highest among the groups gnomAD compares: Admixed American, 0.0017%; no homozygotes.

Submission:

Labcorp Genetics (formerly Invitae), Labcorp
Classification: Uncertain significance for Leber congenital amaurosis 6; Cone-rod dystrophy 13. Last evaluated: 2022-07-06. Review status: criteria provided, single submitter. Criteria: Invitae Variant Classification Sherloc (09022015). Collection method: clinical testing. Allele origin: germline.
Comment: In summary, the available evidence is currently insufficient to determine the role of this variant in disease. Therefore, it has been classified as a Variant of Uncertain Significance. Algorithms developed to predict the effect of sequence changes on RNA splicing suggest that this variant may disrupt the consensus splice site. Algorithms developed to predict the effect of missense changes on protein structure and function are either unavailable or do not agree on the potential impact of this missense change (SIFT: "Deleterious"; PolyPhen-2: "Benign"; Align-GVGD: "Class C0"). This variant has not been reported in the literature in individuals affected with RPGRIP1-related conditions. This variant is present in population databases (rs763079462, gnomAD 0.003%). This sequence change replaces histidine, which is basic and polar, with leucine, which is neutral and non-polar, at codon 1206 of the RPGRIP1 protein (p.His1206Leu).

NM_020366.4(RPGRIP1):c.3617A>T (p.His1206Leu)

Gene: RPGRIP1 (RPGR interacting protein 1; plus strand). Cytogenetic location: 14q11.2.
Variant type: single nucleotide variant.
Coding change: c.3617A>T on transcript NM_020366.4 (MANE Select); coding-DNA position 3617, A replaced by T.
Protein change: p.His1206Leu; replaces histidine 1206 with leucine.
Molecular consequence: missense variant.
Genome position (GRCh38, 1-based): chr14:21,345,197, A>T. VCF-style: chr14-21345197-A-T. GRCh37 (hg19) VCF-style: chr14-21813356-A-T.
Other names: c.1595A>T, p.His532Leu (NM_001377523.1, NM_001377950.1); c.2543A>T, p.His848Leu (NM_001377948.1); c.1703A>T, p.His568Leu (NM_001377949.1); c.1100A>T, p.His367Leu (NM_001377951.1); short protein forms H848L, H1206L, H367L, H532L, H568L.
Identifiers: ClinVar variation 2149560 (VCV002149560.4), dbSNP rs763079462, ClinGen allele CA7089565.